The following is an entry in ClinVar:

NM_032520.5(GNPTG):c.181C>A (p.Pro61Thr)

Gene: GNPTG (N-acetylglucosamine-1-phosphate transferase subunit gamma; plus strand). Cytogenetic location: 16p13.3.
Variant type: single nucleotide variant.
Coding change: c.181C>A on transcript NM_032520.5 (MANE Select); coding-DNA position 181, C replaced by A.
Protein change: p.Pro61Thr; replaces proline 61 with threonine.
Molecular consequence: missense variant.
Genome position (GRCh38, 1-based): chr16:1,361,745, C>A. VCF-style: chr16-1361745-C-A. GRCh37 (hg19) VCF-style: chr16-1411746-C-A.
Other names: short protein forms P61T.
Identifiers: ClinVar variation 1370423 (VCV001370423.5), dbSNP rs1406080496, ClinGen allele CA394186459.
Genomic context (GRCh38, chr16:1,361,745, plus strand): 5'-GTCTTTGCAGACAGGTTCTGTGCTTGGACCCTGGGGATCAGTGTGAGGTCTCTTCCAGGA[C>A]CCGTGCATCTCTTCCGACTCTCGGGCAAGTGCTTCAGCCTGGTGGAGTCCACGTGAGTGC-3'
Protein context (NP_115909.1, residues 51-71): AKRDPSPVSG[Pro61Thr]VHLFRLSGKC

ClinVar aggregate classification (germline): Uncertain significance (1 of 4 stars; one submission).

Submission:

Labcorp Genetics (formerly Invitae), Labcorp
Classification: Uncertain significance. Last evaluated: 2021-09-01. Review status: criteria provided, single submitter. Criteria: Invitae Variant Classification Sherloc (09022015). Collection method: clinical testing. Allele origin: germline.
Comment: This sequence change replaces proline with threonine at codon 61 of the GNPTG protein (p.Pro61Thr). The proline residue is highly conserved and there is a small physicochemical difference between proline and threonine. This variant is not present in population databases (ExAC no frequency). This variant has not been reported in the literature in individuals affected with GNPTG-related conditions. Algorithms developed to predict the effect of missense changes on protein structure and function are either unavailable or do not agree on the potential impact of this missense change (SIFT: "Tolerated"; PolyPhen-2: "Probably Damaging"; Align-GVGD: "Class C0"). In summary, the available evidence is currently insufficient to determine the role of this variant in disease. Therefore, it has been classified as a Variant of Uncertain Significance.